The following is an entry in ClinVar:

ClinVar aggregate classification (germline): Uncertain significance (1 of 4 stars; one submission).

gnomAD v4.1: 1 of 1,536,884 alleles (0.000065%); highest among the groups gnomAD compares: African/African-American, 0.0014%; no homozygotes.

Submission:

Ambry Genetics
Classification: Uncertain significance. Last evaluated: 2026-04-25. Review status: criteria provided, single submitter. Criteria: Ambry Variant Classification Scheme 2023. Collection method: clinical testing. Allele origin: germline.
Comment: The p.A634T variant (also known as c.1900G>A), located in coding exon 11 of the PALLD gene, results from a G to A substitution at nucleotide position 1900. The alanine at codon 634 is replaced by threonine, an amino acid with similar properties. This amino acid position is conserved. In addition, this alteration is predicted to be tolerated by in silico analysis. Based on the available evidence, the clinical significance of this variant remains unclear.

NM_001166108.2(PALLD):c.*86G>A

Genes: CBR4 (carbonyl reductase 4; minus strand), PALLD (palladin, cytoskeletal associated protein; plus strand). Cytogenetic location: 4q32.3.
Variant type: single nucleotide variant.
Coding change: c.*86G>A on transcript NM_001166108.2 (MANE Select); 86 bases downstream of the stop codon, G replaced by A.
Molecular consequence: 3 prime UTR variant. On other transcripts: missense variant (4).
Genome position (GRCh38, 1-based): chr4:168,926,266, G>A. VCF-style: chr4-168926266-G-A. GRCh37 (hg19) VCF-style: chr4-169847417-G-A.
Other names: c.2215G>A, p.Ala739Thr (NM_001166109.2); c.1900G>A, p.Ala634Thr (NM_001166110.2); c.*86G>A (NM_001367567.1, NM_001367570.1, NM_016081.4); c.1291G>A, p.Ala431Thr (NM_001367568.1); c.1240G>A, p.Ala414Thr (NM_001367569.1); short protein forms A414T, A431T, A634T, A739T.
Identifiers: ClinVar variation 4861544 (VCV004861544.1).
Genomic context (GRCh38, chr4:168,926,266, plus strand): 5'-TTTGTAGCCCAGTGGCATCAGCAGTCACAGAGCACCAAGCCAAAAAAAGTACGGCCCTCA[G>A]CCAGTCGCTATGCAGCACTTTCGGACCAGGGACTAGACATCAAAGCAGCGTTCCAACCTG-3'